The following is an entry in ClinVar:

ClinVar aggregate classification (germline): Likely pathogenic. Review status: criteria provided, multiple submitters, no conflicts (2 of 4 stars). 4 submissions from 4 submitters: Likely pathogenic (4). Last evaluated 2024-11-06.

Conditions:
Bartter syndrome. Identifiers: Orphanet 112, MedGen C0004775, MONDO:0015231.
Bartter disease type 1. Also called: HYPERPROSTAGLANDIN E SYNDROME 1; HYPOKALEMIC ALKALOSIS WITH HYPERCALCIURIA 1, ANTENATAL; Bartter syndrome, type 1, antenatal; Bartter Syndrome type 1. Identifiers: Orphanet 112, Orphanet 620217, MedGen C1866495, MONDO:0100344, OMIM 601678, MONDO:0011127.

Allele frequency attached by ClinVar (database versions not stated): gnomAD exomes 0.00001; TOPMed 0.00001; ExAC 0.00002.
gnomAD v4.1: 16 of 1,589,710 alleles (0.001%); highest among the groups gnomAD compares: South Asian, 0.017%; no homozygotes.

Submissions (4):

Labcorp Genetics (formerly Invitae), Labcorp
Classification: Likely pathogenic. Last evaluated: 2024-11-06. Review status: criteria provided, single submitter. Criteria: Invitae Variant Classification Sherloc (09022015). Collection method: clinical testing. Allele origin: germline.
Comment: This sequence change affects a donor splice site in intron 7 of the SLC12A1 gene. It is expected to disrupt RNA splicing. Variants that disrupt the donor or acceptor splice site typically lead to a loss of protein function (PMID: 16199547), and loss-of-function variants in SLC12A1 are known to be pathogenic (PMID: 8640224, 9585600, 19096086). This variant is present in population databases (rs770400317, gnomAD 0.02%). Disruption of this splice site has been observed in individual(s) with clinical features of Bartter syndrome (internal data). ClinVar contains an entry for this variant (Variation ID: 1932749). Algorithms developed to predict the effect of sequence changes on RNA splicing suggest that this variant may disrupt the consensus splice site. In summary, the currently available evidence indicates that the variant is pathogenic, but additional data are needed to prove that conclusively. Therefore, this variant has been classified as Likely Pathogenic.

Women's Health and Genetics/Laboratory Corporation of America, LabCorp
Classification: Likely pathogenic for Bartter syndrome. Last evaluated: 2024-02-07. Review status: criteria provided, single submitter. Criteria: LabCorp Variant Classification Summary - May 2015. Collection method: clinical testing. Allele origin: germline.
Comment: Variant summary: SLC12A1 c.975+1G>A is located in a canonical splice-site and is predicted to affect mRNA splicing resulting in a significantly altered protein due to either exon skipping, shortening, or inclusion of intronic material. Several computational tools predict a significant impact on normal splicing: Four predict the variant abolishes a 5' splicing donor site. However, these predictions have yet to be confirmed by functional studies. The variant allele was found at a frequency of 2.5e-05 in 239050 control chromosomes. To our knowledge, no occurrence of c.975+1G>A in individuals affected with Bartter Syndrome, Type 1 and no experimental evidence demonstrating its impact on protein function have been reported. ClinVar contains an entry for this variant (Variation ID: 1932749). Based on the evidence outlined above, the variant was classified as likely pathogenic.

Fulgent Genetics
Classification: Likely pathogenic for Bartter disease type 1. Last evaluated: 2024-01-09. Review status: criteria provided, single submitter. Criteria: ACMG Guidelines, 2015. Collection method: clinical testing. Allele origin: germline.

Neuberg Centre For Genomic Medicine, NCGM
Classification: Likely pathogenic for Bartter disease type 1. Review status: criteria provided, single submitter. Criteria: ACMG Guidelines, 2015. Collection method: clinical testing. Allele origin: germline. Inheritance: Autosomal recessive inheritance. Affected: yes.
Comment: The splice donor c.975+1G>A variant has not been reported previously as a pathogenic variant nor as a benign variant, to our knowledge. This variant has not been reported to the ClinVar database. This variant has been submitted allele frequency 0.0025% in the gnomAD and novel in 1000 genome database. Loss of function variants have been previously reported to be disease causing. For these reasons, this variant has been classified as Likely Pathogenic.

Literature cited by the submitters: PubMed 16199547 (cited by Labcorp Genetics (formerly Invitae), Labcorp); PubMed 8640224 (cited by Labcorp Genetics (formerly Invitae), Labcorp); PubMed 9585600 (cited by Labcorp Genetics (formerly Invitae), Labcorp); PubMed 19096086 (cited by Labcorp Genetics (formerly Invitae), Labcorp).

NM_000338.3(SLC12A1):c.975+1G>A

Gene: SLC12A1 (solute carrier family 12 member 1; plus strand). Cytogenetic location: 15q21.1.
Variant type: single nucleotide variant.
Coding change: c.975+1G>A on transcript NM_000338.3 (MANE Select); the canonical splice donor site of the intron after coding-DNA position 975, G replaced by A.
Molecular consequence: splice donor variant.
Genome position (GRCh38, 1-based): chr15:48,230,504, G>A. VCF-style: chr15-48230504-G-A. GRCh37 (hg19) VCF-style: chr15-48522701-G-A.
Other names: c.975+1G>A (NM_001384136.1, NM_001184832.2).
Identifiers: ClinVar variation 1932749 (VCV001932749.9), dbSNP rs770400317, ClinGen allele CA7546939.
Genomic context (GRCh38, chr15:48,230,504, plus strand): 5'-TCCATCACAGTGGTGATTCTTCTAGGAATTTCAGTAGCTGGAATGGAATGGGAGGCAAAG[G>A]TAAATTTCTCAAAAATGATATTATCAACAGTGGCTGGTCAGGTCCTGAACAAATTGCAGG-3'